The following is an entry in ClinVar:

NM_003738.5(PTCH2):c.3403del (p.Ala1135fs)

Gene: PTCH2 (patched 2; minus strand). Cytogenetic location: 1p34.1.
Variant type: Deletion.
Coding change: c.3403del on transcript NM_003738.5 (MANE Select); coding-DNA position 3403, one base deleted (G; older notation c.3403delG).
Protein change: p.Ala1135fs; shifts the reading frame from alanine 1135.
Molecular consequence: frameshift variant.
Genome position (GRCh38, 1-based): chr1:44,822,624, C deleted on the plus strand (G on the coding strand, the reverse complement: PTCH2 is on the minus strand). VCF-style (leftmost placement, unchanged base first): chr1-44822623-GC-G. GRCh37 (hg19) VCF-style: chr1-45288295-GC-G.
Other names: c.3403del, p.Ala1135fs (NM_001166292.2); short protein forms A1135fs.
Identifiers: ClinVar variation 2919122 (VCV002919122.3), dbSNP rs1437585295, ClinGen allele CA522542387.

ClinVar aggregate classification (germline): Uncertain significance (1 of 4 stars; one submission).

Conditions:
Gorlin syndrome. Also called: Nevoid Basal Cell Carcinoma Syndrome; Basal cell nevus syndrome. Identifiers: Orphanet 377, MedGen C0004779, MONDO:0007187.

Allele frequency attached by ClinVar (database versions not stated): gnomAD exomes below 0.00001.

Submission:

Labcorp Genetics (formerly Invitae), Labcorp
Classification: Uncertain significance for Gorlin syndrome. Last evaluated: 2024-10-27. Review status: criteria provided, single submitter. Criteria: Invitae Variant Classification Sherloc (09022015). Collection method: clinical testing. Allele origin: germline.
Comment: This sequence change creates a premature translational stop signal (p.Ala1135Leufs*22) in the PTCH2 gene. While this is not anticipated to result in nonsense mediated decay, it is expected to disrupt the last 69 amino acid(s) of the PTCH2 protein. This variant is present in population databases (no rsID available, gnomAD 0.0009%). This variant has not been reported in the literature in individuals affected with PTCH2-related conditions. In summary, the available evidence is currently insufficient to determine the role of this variant in disease. Therefore, it has been classified as a Variant of Uncertain Significance.